The following is an entry in ClinVar:

NM_007315.4(STAT1):c.633+42A>G

Gene: STAT1 (signal transducer and activator of transcription 1; minus strand). Cytogenetic location: 2q32.2.
Variant type: single nucleotide variant.
Coding change: c.633+42A>G on transcript NM_007315.4 (MANE Select); 42 bases into the intron after coding-DNA position 633, A replaced by G.
Molecular consequence: intron variant.
Genome position (GRCh38, 1-based): chr2:190,998,175, T>C on the plus strand (A>G on the coding strand, the complement: STAT1 is on the minus strand). VCF-style: chr2-190998175-T-C. GRCh37 (hg19) VCF-style: chr2-191862901-T-C.
Other names: c.543+42A>G (NM_001384890.1); c.535-168A>G (NM_001384883.1); c.633+42A>G (NM_001384885.1, NM_001384887.1, NM_001384880.1 and 5 more transcripts); c.669+42A>G (NM_001384891.1); c.639+42A>G (NM_001384884.1, NM_001384881.1).
Identifiers: ClinVar variation 2628271 (VCV002628271.2), dbSNP rs2066805, ClinGen allele CA2030178.

ClinVar aggregate classification (germline): Benign (1 of 4 stars; one submission).

Allele frequency attached by ClinVar (database versions not stated): ESP Exome Variant Server 0.01854; gnomAD exomes 0.02667; gnomAD 0.02901; TOPMed 0.03754; ExAC 0.04459; 1000 Genomes Project 0.04732; 1000 Genomes Project 30x 0.04763.

Submission:

Unidad de Genómica Garrahan, Hospital de Pediatría Garrahan
Classification: Benign. Last evaluated: 2023-11-12. Review status: criteria provided, single submitter. Criteria: ACMG Guidelines, 2015. Collection method: clinical testing. Allele origin: germline. Affected: no. Observed: 23 variant alleles.
Comment: This variant is classified as Benign based on local population frequency. This variant was detected in 24% of patients studied by a panel of primary immunodeficiencies. Number of patients: 23. Only high quality variants are reported.